The following is an entry in ClinVar:

NC_000014.8:g.(?_102843059)_(103397017_?)dup

Genes: AMN (amnion associated transmembrane protein; plus strand), ANKRD9 (ankyrin repeat domain 9; minus strand), RCOR1 (REST corepressor 1; plus strand), TECPR2 (tectonin beta-propeller repeat containing 2; plus strand), TRAF3 (TNF receptor associated factor 3; plus strand). Cytogenetic location: 14q32.31-32.32.
Variant type: Duplication.
Identifiers: ClinVar variation 3244097 (VCV003244097.1).

ClinVar aggregate classification (germline): Uncertain significance (1 of 4 stars; one submission).

Submission:

Labcorp Genetics (formerly Invitae), Labcorp
Classification: Uncertain significance. Last evaluated: 2023-07-07. Review status: criteria provided, single submitter. Criteria: Invitae Variant Classification Sherloc (09022015). Collection method: clinical testing. Allele origin: unknown.
Comment: This variant has not been reported in the literature in individuals affected with RCOR1-related conditions. In summary, the available evidence is currently insufficient to determine the role of this variant in disease. Therefore, it has been classified as a Variant of Uncertain Significance. A copy number gain of the genomic region encompassing the full coding sequence of the RCOR1 gene has been identified. The boundaries of this event are unknown as they extend beyond the assayed region for this gene and therefore may encompass additional genes. As the precise location of this event is unknown, it may be in tandem or it may be located elsewhere in the genome.